The following is an entry in ClinVar:

NM_001003787.4(STRADA):c.901G>T (p.Asp301Tyr)

Gene: STRADA (STE20 related adaptor alpha; minus strand). Cytogenetic location: 17q23.3.
Variant type: single nucleotide variant.
Coding change: c.901G>T on transcript NM_001003787.4 (MANE Select); coding-DNA position 901, G replaced by T.
Protein change: p.Asp301Tyr; replaces aspartic acid 301 with tyrosine.
Molecular consequence: missense variant. On other transcripts: non-coding transcript variant (1).
Genome position (GRCh38, 1-based): chr17:63,704,540, C>A on the plus strand (G>T on the coding strand, the complement: STRADA is on the minus strand). VCF-style: chr17-63704540-C-A. GRCh37 (hg19) VCF-style: chr17-61781900-C-A.
Other names: c.790G>T, p.Asp264Tyr (NM_001003786.3, NM_001363789.1, NM_153335.6); c.727G>T, p.Asp243Tyr (NM_001003788.3, NM_001363790.1, NM_001363791.1); c.814G>T, p.Asp272Tyr (NM_001165969.2, NM_001363787.1); c.769G>T, p.Asp257Tyr (NM_001165970.2); c.877G>T, p.Asp293Tyr (NM_001363786.1); c.901G>T, p.Asp301Tyr (NM_001363788.1); short protein forms D257Y, D301Y, D264Y, D272Y, D243Y, D293Y.
Identifiers: ClinVar variation 1468781 (VCV001468781.6), dbSNP rs576677912, ClinGen allele CA8703186.

ClinVar aggregate classification (germline): Uncertain significance. Review status: criteria provided, multiple submitters, no conflicts (2 of 4 stars). 2 submissions from 2 submitters: Uncertain significance (2). Last evaluated 2023-08-10.

Conditions:
Polyhydramnios, megalencephaly, and symptomatic epilepsy (PMSE). Also called: PMSE SYNDROME. Identifiers: Orphanet 500533, MedGen C1970203, MONDO:0012611, OMIM 611087.

Allele frequency attached by ClinVar (database versions not stated): TOPMed 0.00001; gnomAD 0.00002; gnomAD exomes 0.00003; ExAC 0.00004; 1000 Genomes Project 30x 0.00016; 1000 Genomes Project 0.00020.
gnomAD v4.1: 28 of 1,583,358 alleles (0.0018%); highest among the groups gnomAD compares: South Asian, 0.031%; no homozygotes.

Submissions (2):

Labcorp Genetics (formerly Invitae), Labcorp
Classification: Uncertain significance for Polyhydramnios, megalencephaly, and symptomatic epilepsy. Last evaluated: 2023-08-10. Review status: criteria provided, single submitter. Criteria: Invitae Variant Classification Sherloc (09022015). Collection method: clinical testing. Allele origin: germline.
Comment: This variant is present in population databases (rs576677912, gnomAD 0.02%). In summary, the available evidence is currently insufficient to determine the role of this variant in disease. Therefore, it has been classified as a Variant of Uncertain Significance. An algorithm developed to predict the effect of missense changes on protein structure and function (PolyPhen-2) suggests that this variant is likely to be disruptive. ClinVar contains an entry for this variant (Variation ID: 1468781). This variant has not been reported in the literature in individuals affected with STRADA-related conditions. This sequence change replaces aspartic acid, which is acidic and polar, with tyrosine, which is neutral and polar, at codon 301 of the STRADA protein (p.Asp301Tyr).

GeneDx
Classification: Uncertain significance. Last evaluated: 2022-04-13. Review status: criteria provided, single submitter. Criteria: GeneDx Variant Classification Process June 2021. Collection method: clinical testing. Allele origin: germline. Affected: yes.
Comment: In silico analysis supports that this missense variant has a deleterious effect on protein structure/function; Has not been previously published as pathogenic or benign to our knowledge